The following is an entry in ClinVar:

ClinVar aggregate classification (germline): Uncertain significance. Review status: criteria provided, multiple submitters, no conflicts (2 of 4 stars). 2 submissions from 2 submitters: Uncertain significance (2). Last evaluated 2025-10-14.

Conditions:
Inborn genetic diseases. Identifiers: MedGen C0950123, MeSH D030342.
Mosaic variegated aneuploidy syndrome 1 (MVA1). Also called: Warburton-Anyane-Yeboa syndrome. Identifiers: Orphanet 1052, MedGen C1850343, MONDO:0009759, OMIM 257300.

Allele frequency attached by ClinVar (database versions not stated): gnomAD exomes below 0.00001; TOPMed 0.00001.
gnomAD v4.1: 6 of 1,612,014 alleles (0.00037%); highest among the groups gnomAD compares: Middle Eastern, 0.017%; no homozygotes.

Submissions (2):

Labcorp Genetics (formerly Invitae), Labcorp
Classification: Uncertain significance for Mosaic variegated aneuploidy syndrome 1. Last evaluated: 2025-10-14. Review status: criteria provided, single submitter. Criteria: Invitae Variant Classification Sherloc (09022015). Collection method: clinical testing. Allele origin: germline.
Comment: This sequence change replaces lysine, which is basic and polar, with glutamic acid, which is acidic and polar, at codon 542 of the BUB1B protein (p.Lys542Glu). This variant is present in population databases (no rsID available, gnomAD 0.0009%). This variant has not been reported in the literature in individuals affected with BUB1B-related conditions. ClinVar contains an entry for this variant (Variation ID: 1443798). An algorithm developed to predict the effect of missense changes on protein structure and function outputs the following: PolyPhen-2: "Benign". The glutamic acid amino acid residue is found in multiple mammalian species, which suggests that this missense change does not adversely affect protein function. In summary, the available evidence is currently insufficient to determine the role of this variant in disease. Therefore, it has been classified as a Variant of Uncertain Significance.

Ambry Genetics
Classification: Uncertain significance for Inborn genetic diseases. Last evaluated: 2024-06-12. Review status: criteria provided, single submitter. Criteria: Ambry Variant Classification Scheme 2023. Collection method: clinical testing. Allele origin: germline.
Comment: The p.K542E variant (also known as c.1624A>G), located in coding exon 13 of the BUB1B gene, results from an A to G substitution at nucleotide position 1624. The lysine at codon 542 is replaced by glutamic acid, an amino acid with similar properties. This amino acid position is conserved. In addition, this alteration is predicted to be tolerated by in silico analysis. Since supporting evidence is limited at this time, the clinical significance of this alteration remains unclear.

NM_001211.6(BUB1B):c.1624A>G (p.Lys542Glu)

Gene: BUB1B (BUB1 mitotic checkpoint serine/threonine kinase B; plus strand). Cytogenetic location: 15q15.1.
Variant type: single nucleotide variant.
Coding change: c.1624A>G on transcript NM_001211.6 (MANE Select); coding-DNA position 1624, A replaced by G.
Protein change: p.Lys542Glu; replaces lysine 542 with glutamic acid.
Molecular consequence: missense variant.
Genome position (GRCh38, 1-based): chr15:40,202,461, A>G. VCF-style: chr15-40202461-A-G. GRCh37 (hg19) VCF-style: chr15-40494662-A-G.
Other names: short protein forms K542E.
Identifiers: ClinVar variation 1443798 (VCV001443798.11), dbSNP rs1446416934, ClinGen allele CA391691393.
Genomic context (GRCh38, chr15:40,202,461, plus strand): 5'-CTAGGTCCCAGTGTACCTTTCTCCATTTTTGATGAGTTTCTTCTTTCAGAAAAGAAGAAT[A>G]AAAGGTACGTTGTTTTTTTGTTTTTTTGGTTTTTTTTTACTTAAGAATTTTCTGTTATTA-3'
Protein context (NP_001202.5, residues 532-552): DEFLLSEKKN[Lys542Glu]SPPADPPRVL